The following is an entry in ClinVar:

ClinVar aggregate classification (germline): Uncertain significance (1 of 4 stars; one submission).

Conditions:
RYR1-related disorder. Also called: RYR1-related disorders; RYR1-related condition. Identifiers: MedGen CN239331.

Allele frequency attached by ClinVar (database versions not stated): gnomAD exomes below 0.00001; ExAC 0.00001.

Submission:

Labcorp Genetics (formerly Invitae), Labcorp
Classification: Uncertain significance for RYR1-related disorder. Last evaluated: 2022-01-11. Review status: criteria provided, single submitter. Criteria: Invitae Variant Classification Sherloc (09022015). Collection method: clinical testing. Allele origin: germline.
Comment: In summary, the available evidence is currently insufficient to determine the role of this variant in disease. Therefore, it has been classified as a Variant of Uncertain Significance. Advanced modeling of protein sequence and biophysical properties (such as structural, functional, and spatial information, amino acid conservation, physicochemical variation, residue mobility, and thermodynamic stability) performed at Invitae indicates that this missense variant is not expected to disrupt RYR1 protein function. ClinVar contains an entry for this variant (Variation ID: 839022). This variant has not been reported in the literature in individuals affected with RYR1-related conditions. This variant is not present in population databases (gnomAD no frequency). This sequence change replaces proline, which is neutral and non-polar, with leucine, which is neutral and non-polar, at codon 4528 of the RYR1 protein (p.Pro4528Leu).

NM_000540.3(RYR1):c.13583C>T (p.Pro4528Leu)

Gene: RYR1 (ryanodine receptor 1; plus strand). Cytogenetic location: 19q13.2.
Variant type: single nucleotide variant.
Coding change: c.13583C>T on transcript NM_000540.3 (MANE Select); coding-DNA position 13583, C replaced by T.
Protein change: p.Pro4528Leu; replaces proline 4528 with leucine.
Molecular consequence: missense variant.
Genome position (GRCh38, 1-based): chr19:38,567,841, C>T. VCF-style: chr19-38567841-C-T. GRCh37 (hg19) VCF-style: chr19-39058481-C-T.
Other names: c.13568C>T, p.Pro4523Leu (NM_001042723.2); short protein forms P4523L, P4528L.
Identifiers: ClinVar variation 839022 (VCV000839022.8), dbSNP rs751025558, ClinGen allele CA060191.